The following is an entry in ClinVar:

NM_004369.4(COL6A3):c.1022G>A (p.Arg341His)

Gene: COL6A3 (collagen type VI alpha 3 chain; minus strand). Cytogenetic location: 2q37.3.
Variant type: single nucleotide variant.
Coding change: c.1022G>A on transcript NM_004369.4 (MANE Select); coding-DNA position 1022, G replaced by A.
Protein change: p.Arg341His; replaces arginine 341 with histidine.
Molecular consequence: missense variant. On other transcripts: intron variant (2).
Genome position (GRCh38, 1-based): chr2:237,387,872, C>T on the plus strand (G>A on the coding strand, the complement: COL6A3 is on the minus strand). VCF-style: chr2-237387872-C-T. GRCh37 (hg19) VCF-style: chr2-238296515-C-T.
Other names: c.404G>A, p.Arg135His (NM_057165.5, NM_057167.4); c.92-6373G>A (NM_057166.5, NM_057164.5); short protein forms R341H, R135H.
Identifiers: ClinVar variation 284965 (VCV000284965.20), dbSNP rs140510298, ClinGen allele CA2189721.

ClinVar aggregate classification (germline): Conflicting classifications of pathogenicity. Review status: criteria provided, conflicting classifications (1 of 4 stars). 7 submissions from 7 submitters: Uncertain significance (5); Benign (1); Likely benign (1). Last evaluated 2025-01-18.

Conditions:
COL6A3-related disorder. Also called: COL6A3-related condition; COL6A3-related disorders.
Bethlem myopathy 1A. Also called: MYOPATHY, BENIGN CONGENITAL, WITH CONTRACTURES; Bethlem myopathy 1; Bethlem Muscular Dystrophy. Identifiers: Orphanet 610, MedGen CN029274, MONDO:0024530, OMIM 158810.
Collagen 6-related myopathy. Identifiers: MedGen CN117976, MONDO:0100225.

Allele frequency attached by ClinVar (database versions not stated): ExAC 0.00007; ESP Exome Variant Server 0.00008; gnomAD 0.00001 and 0.00002; TOPMed 0.00003.
gnomAD v4.1: 80 of 1,613,990 alleles (0.005%); highest among the groups gnomAD compares: South Asian, 0.016%; 1 homozygote.

Submissions (7):

Labcorp Genetics (formerly Invitae), Labcorp
Classification: Likely benign for Bethlem myopathy 1A. Last evaluated: 2025-01-18. Review status: criteria provided, single submitter. Criteria: Invitae Variant Classification Sherloc (09022015). Collection method: clinical testing. Allele origin: germline.

PreventionGenetics, part of Exact Sciences
Classification: Uncertain significance for COL6A3-related condition. Last evaluated: 2024-10-18. Review status: criteria provided, single submitter. Criteria: ACMG Guidelines, 2015. Collection method: clinical testing. Allele origin: germline.
Comment: The COL6A3 c.1022G>A variant is predicted to result in the amino acid substitution p.Arg341His. To our knowledge, this variant has not been reported in the literature. This variant is reported in 0.0098% of alleles in individuals of South Asian descent in gnomAD. At this time, the clinical significance of this variant is uncertain due to the absence of conclusive functional and genetic evidence.

Women's Health and Genetics/Laboratory Corporation of America, LabCorp
Classification: Uncertain significance. Last evaluated: 2024-04-29. Review status: criteria provided, single submitter. Criteria: LabCorp Variant Classification Summary - May 2015. Collection method: clinical testing. Allele origin: germline.
Comment: Variant summary: COL6A3 c.1022G>A (p.Arg341His) results in a non-conservative amino acid change located in the von Willebrand factor, type A (IPR002035) of the encoded protein sequence. Five of five in-silico tools predict a damaging effect of the variant on protein function. The variant allele was found at a frequency of 5e-05 in 1613990 control chromosomes in the gnomAD database, including 1 homozygotes (gnomAD database v4.0.0). The available data on variant occurrences in the general population are insufficient to allow any conclusion about variant significance. To our knowledge, no occurrence of c.1022G>A in individuals affected with Ullrich Congenital Muscular Dystrophy 1 and no experimental evidence demonstrating its impact on protein function have been reported. ClinVar contains an entry for this variant (Variation ID: 284965). Based on the evidence outlined above, the variant was classified as uncertain significance.

Molecular Genetics, Royal Melbourne Hospital
Classification: Uncertain significance for Bethlem myopathy 1A. Last evaluated: 2023-03-30. Review status: criteria provided, single submitter. Criteria: ACMG Guidelines, 2015. Collection method: clinical testing. Allele origin: germline.
Comment: This sequence change is predicted to replace arginine with histidine at codon 341 of the COL6A3 protein, p.(Arg341His). There is a small physicochemical difference between arginine and histidine. The arginine residue is highly conserved (100 vertebrates, UCSC), and is in the non-helical region in the second Von Willebrand factor type A (vWA) domain. No pathogenic missense have been reported in this domain. The exon that contains this variant is not highly expressed in skeletal muscle (GTEx). The variant is present in a large population cohort at a frequency of 0.005% (rs140510298, 12/250,826 alleles, 0 homozygotes, gnomAD v2.1). It has previously been identified in a limb-girdle muscular dystrophy case with a pathogenic TTN frameshift (PMID: 30564623, LOVD). Multiple lines of computational evidence predict a deleterious effect for the missense substitution (6/7 algorithms). Based on the classification scheme RMH ACMG Guidelines v1.1.1, this variant is classified as a VARIANT of UNCERTAIN SIGNIFICANCE. Following criteria met: PP3.

GeneDx
Classification: Uncertain significance. Last evaluated: 2021-07-29. Review status: criteria provided, single submitter. Criteria: GeneDx Variant Classification Process June 2021. Collection method: clinical testing. Allele origin: germline. Affected: yes.
Comment: Has not been previously published as pathogenic or benign to our knowledge; In silico analysis supports that this missense variant has a deleterious effect on protein structure/function

Illumina Laboratory Services, Illumina
Classification: Benign for Collagen VI-related myopathy. Last evaluated: 2018-01-13. Review status: criteria provided, single submitter. Criteria: ICSL Variant Classification Criteria 13 December 2019. Collection method: clinical testing. Allele origin: germline.
Comment: This variant was observed in the ICSL laboratory as part of a predisposition screen in an ostensibly healthy population. It had not been previously curated by ICSL or reported in the Human Gene Mutation Database (HGMD: prior to June 1st, 2018), and was therefore a candidate for classification through an automated scoring system. Utilizing variant allele frequency, disease prevalence and penetrance estimates, and inheritance mode, an automated score was calculated to assess if this variant is too frequent to cause the disease. Based on the score and internal cut-off values, a variant classified as benign is not then subjected to further curation. The score for this variant resulted in a classification of benign for this disease.

Eurofins Ntd Llc (ga)
Classification: Uncertain significance. Last evaluated: 2015-12-23. Review status: criteria provided, single submitter. Criteria: EGL Classification Definitions 2015. Collection method: clinical testing. Allele origin: germline. Observed: 1 variant allele, 1 heterozygote.

Literature cited by the submitters: PubMed 30564623 (cited by Molecular Genetics, Royal Melbourne Hospital).